The following is an entry in ClinVar:

ClinVar aggregate classification (germline): Likely benign (1 of 4 stars; one submission).

Submission:

CeGaT Center for Human Genetics Tuebingen
Classification: Likely benign. Last evaluated: 2026-03-01. Review status: criteria provided, single submitter. Criteria: CeGaT Center For Human Genetics Tuebingen Variant Classification Criteria Version 2. Collection method: clinical testing. Allele origin: germline. Affected: yes. Observed: 1 variant allele.
Comment: TTN: PM2:Supporting, BP4, BP7

NM_001267550.2(TTN):c.97077T>G (p.Thr32359=)

Genes: TTN (titin; minus strand), TTN-AS1 (TTN antisense RNA 1; plus strand). Cytogenetic location: 2q31.2.
Variant type: single nucleotide variant.
Coding change: c.97077T>G on transcript NM_001267550.2 (MANE Select); coding-DNA position 97077, T replaced by G.
Protein change: p.Thr32359=; no amino-acid change (threonine 32359 retained).
Molecular consequence: synonymous variant.
Genome position (GRCh38, 1-based): chr2:178,542,777, A>C on the plus strand (T>G on the coding strand, the complement: TTN is on the minus strand). VCF-style: chr2-178542777-A-C. GRCh37 (hg19) VCF-style: chr2-179407504-A-C.
Other names: c.92154T>G, p.Thr30718= (NM_001256850.1); c.69882T>G, p.Thr23294= (NM_003319.4); c.89373T>G, p.Thr29791= (NM_133378.4); c.70257T>G, p.Thr23419= (NM_133432.3); c.70458T>G, p.Thr23486= (NM_133437.4).
Identifiers: ClinVar variation 4823615 (VCV004823615.4).